The following is an entry in ClinVar:

ClinVar aggregate classification (germline): Uncertain significance (1 of 4 stars; one submission).

Conditions:
Saldino-Mainzer syndrome (SRTD9). Also called: CONORENAL SYNDROME; Renal dysplasia, retinal pigmentary dystrophy, cerebellar ataxia and skeletal dysplasia; SHORT-RIB THORACIC DYSPLASIA 9 WITHOUT POLYDACTYLY; short-rib thoracic dysplasia 9 with or without polydactyly. Identifiers: Orphanet 140969, MedGen C1849437, MONDO:0009964, OMIM 266920.

Submission:

Labcorp Genetics (formerly Invitae), Labcorp
Classification: Uncertain significance for Saldino-Mainzer syndrome. Last evaluated: 2022-03-09. Review status: criteria provided, single submitter. Criteria: Invitae Variant Classification Sherloc (09022015). Collection method: clinical testing. Allele origin: germline.
Comment: In summary, the available evidence is currently insufficient to determine the role of this variant in disease. Therefore, it has been classified as a Variant of Uncertain Significance. Variants that disrupt the consensus splice site are a relatively common cause of aberrant splicing (PMID: 17576681, 9536098). Algorithms developed to predict the effect of sequence changes on RNA splicing suggest that this variant is not likely to affect RNA splicing. This variant has not been reported in the literature in individuals affected with IFT140-related conditions. This variant is not present in population databases (gnomAD no frequency). This sequence change falls in intron 19 of the IFT140 gene. It does not directly change the encoded amino acid sequence of the IFT140 protein. It affects a nucleotide within the consensus splice site.

Literature cited by the submitters: PubMed 17576681; PubMed 9536098.

NM_014714.4(IFT140):c.2399+6G>A

Gene: IFT140 (intraflagellar transport 140; minus strand). Cytogenetic location: 16p13.3.
Variant type: single nucleotide variant.
Coding change: c.2399+6G>A on transcript NM_014714.4 (MANE Select); 6 bases into the intron after coding-DNA position 2399, G replaced by A.
Molecular consequence: intron variant.
Genome position (GRCh38, 1-based): chr16:1,557,929, C>T on the plus strand (G>A on the coding strand, the complement: IFT140 is on the minus strand). VCF-style: chr16-1557929-C-T. GRCh37 (hg19) VCF-style: chr16-1607930-C-T.
Identifiers: ClinVar variation 2081365 (VCV002081365.4), dbSNP rs761044847, ClinGen allele CA2575869953.